The following is an entry in ClinVar:

ClinVar aggregate classification (germline): Uncertain significance (1 of 4 stars; one submission).

Conditions:
Leigh syndrome (NULS). Also called: Leigh's necrotizing encephalopathy; Leigh's disease; Leigh Syndrome (mtDNA deletion); Leigh Disease; Subacute necrotizing encephalopathy; Necrotizing encephalopathy infantile subacute of Leigh. Identifiers: Orphanet 506, MedGen C2931891, MONDO:0009723, OMIM 256000.

Submission:

Wong Mito Lab, Molecular and Human Genetics, Baylor College of Medicine
Classification: Uncertain significance for Leigh syndrome. Last evaluated: 2019-10-17. Review status: criteria provided, single submitter. Criteria: Modified ACMG Guidelines (Unpublished). Collection method: clinical testing. Allele origin: germline.
Comment: The NC_012920.1:m.8920G>A (YP_003024031.1:p.Gly132Ser) variant in MTATP6 gene is interpretated to be a Uncertain Significance variant based on the modified ACMG guidelines (unpublished). This variant meets the following evidence codes: PP4, BP6

NC_012920.1(MT-ATP6):m.8920G>A

Gene: MT-ATP6 (mitochondrially encoded ATP synthase 6; plus strand).
Variant type: single nucleotide variant.
Genome position: chrM-8920-G-A.
Identifiers: ClinVar variation 693022 (VCV000693022.1), dbSNP rs28406348, ClinGen allele CA337098107.